The following is an entry in ClinVar:

ClinVar aggregate classification (germline): Uncertain significance (1 of 4 stars; one submission).

Conditions:
Hypertrophic cardiomyopathy. Also called: HYPERTROPHIC MYOCARDIOPATHY. Identifiers: Orphanet 217569, MedGen C0007194, MeSH D002312, MONDO:0005045, HP:0001639.

Allele frequency attached by ClinVar (database versions not stated): gnomAD exomes below 0.00001; ExAC 0.00001.
gnomAD v4.1: 2 of 1,613,050 alleles (0.00012%); highest among the groups gnomAD compares: Non-Finnish European, 0.00017%; no homozygotes.

Submission:

All of Us Research Program, National Institutes of Health
Classification: Uncertain significance for Hypertrophic cardiomyopathy. Last evaluated: 2023-08-28. Review status: criteria provided, single submitter. Criteria: ACMG Guidelines, 2015. Collection method: clinical testing. Allele origin: germline. Inheritance: Autosomal dominant inheritance. Observed: 1 variant allele, 1 heterozygote.
Comment: This variant is located in the 5' untranslated region of the ACTC1 gene. To our knowledge, functional studies have not been reported for this variant. This variant has not been reported in individuals affected with ACTC1-related disorders in the literature. This variant has been identified in 1/250226 chromosomes in the general population by the Genome Aggregation Database (gnomAD). The available evidence is insufficient to determine the role of this variant in disease conclusively. Therefore, this variant is classified as a Variant of Uncertain Significance.

This study involves interpretation of variants in research participants for the purpose of population health screening. Participant phenotype was not available at the time of variant classification. Additional details can be found in publication PMID: 35346344, PMCID: PMC8962531

NM_005159.5(ACTC1):c.-5C>T

Genes: ACTC1 (actin alpha cardiac muscle 1; minus strand), GJD2-DT (GJD2 divergent transcript; plus strand). Cytogenetic location: 15q14.
Variant type: single nucleotide variant.
Coding change: c.-5C>T on transcript NM_005159.5 (MANE Select); 5 bases upstream of the start codon, C replaced by T.
Molecular consequence: 5 prime UTR variant.
Genome position (GRCh38, 1-based): chr15:34,794,813, G>A on the plus strand (C>T on the coding strand, the complement: ACTC1 is on the minus strand). VCF-style: chr15-34794813-G-A. GRCh37 (hg19) VCF-style: chr15-35087014-G-A.
Other names: c.-5C>T (NM_001406482.1, NM_001406483.1).
Identifiers: ClinVar variation 3073171 (VCV003073171.1), dbSNP rs773272217, ClinGen allele CA042137.